The following is an entry in ClinVar:

ClinVar aggregate classification (germline): Pathogenic/Likely pathogenic. Review status: criteria provided, multiple submitters, no conflicts (2 of 4 stars). 2 submissions from 2 submitters: Pathogenic (1); Likely pathogenic (1). Last evaluated 2025-05-12.

Conditions:
Bruck syndrome 1 (BRKS1). Also called: ARTHROGRYPOSIS-LIKE DISORDER. Identifiers: Orphanet 1149, Orphanet 2771, MedGen C1850168, MONDO:0009806, OMIM 259450.

Submissions (2):

Clinical Biomedical Laboratory, Shriners Hospital For Children - Canada
Classification: Likely pathogenic for Bruck syndrome 1. Last evaluated: 2025-05-12. Review status: criteria provided, single submitter. Criteria: ACMG Guidelines, 2015. Collection method: clinical testing. Allele origin: germline. Affected: yes.
Comment: The variant is predicted to substitute a glutamine residue for an arginine residue, cause a frameshift and introduce a stop codon 10 amino acids downstream. This is expected to cause degradation of the transcript and loss of function. This variant has not been found in Genome Aggregation Database, v2.1.1., indicating it is rare. Loss of function variants in FKBP10 are a cause of Bruck syndrome and of recessive FKBP10 related osteogenesis imperfecta.

Labcorp Genetics (formerly Invitae), Labcorp
Classification: Pathogenic. Last evaluated: 2024-02-16. Review status: criteria provided, single submitter. Criteria: Invitae Variant Classification Sherloc (09022015). Collection method: clinical testing. Allele origin: germline.
Comment: This sequence change creates a premature translational stop signal (p.Gln426Argfs*10) in the FKBP10 gene. It is expected to result in an absent or disrupted protein product. Loss-of-function variants in FKBP10 are known to be pathogenic (PMID: 22689593, 22949511). This variant is not present in population databases (gnomAD no frequency). This premature translational stop signal has been observed in individual(s) with Bruck syndrome (PMID: 29150909). For these reasons, this variant has been classified as Pathogenic.

Literature cited by the submitters: PubMed 22689593 (cited by Labcorp Genetics (formerly Invitae), Labcorp); PubMed 22949511 (cited by Labcorp Genetics (formerly Invitae), Labcorp); PubMed 29150909 (cited by Labcorp Genetics (formerly Invitae), Labcorp).

NM_021939.4(FKBP10):c.1276del (p.Gln426fs)

Gene: FKBP10 (FKBP prolyl isomerase 10; plus strand). Cytogenetic location: 17q21.2.
Variant type: Deletion.
Coding change: c.1276del on transcript NM_021939.4 (MANE Select); coding-DNA position 1276, one base deleted (C; older notation c.1276delC).
Protein change: p.Gln426fs; shifts the reading frame from glutamine 426.
Molecular consequence: frameshift variant.
Genome position (GRCh38, 1-based): chr17:41,820,966, C deleted; the last of 6 consecutive C bases (chr17:41,820,961-41,820,966); deleting any one gives the same sequence. VCF-style (leftmost placement, unchanged base first): chr17-41820960-GC-G. GRCh37 (hg19) VCF-style: chr17-39977212-GC-G.
Other names: c.1276delC, p.Gln426Argfs (NM_021939.3); c.1276del (NM_021939.3); short protein forms Q426fs.
Identifiers: ClinVar variation 2910427 (VCV002910427.4), dbSNP rs1567856056, ClinGen allele CA983786651.